The following is an entry in ClinVar:

ClinVar aggregate classification (germline): Pathogenic/Likely pathogenic. Review status: criteria provided, multiple submitters, no conflicts (2 of 4 stars). 2 submissions from 2 submitters: Pathogenic (1); Likely pathogenic (1). Last evaluated 2025-11-23.

Conditions:
Charcot-Marie-Tooth disease, type I (CMT1). Also called: Charcot-Marie-Tooth, Type 1; Charcot-Marie-Tooth disease type 1. Identifiers: Orphanet 65753, MedGen C0751036, MONDO:0019011.
Charcot-Marie-Tooth disease type 1B. Also called: PERONEAL MUSCULAR ATROPHY; CHARCOT-MARIE-TOOTH DISEASE, AUTOSOMAL DOMINANT, WITH FOCALLY FOLDED MYELIN SHEATHS, TYPE 1B; CHARCOT-MARIE-TOOTH DISEASE, SLOW NERVE CONDUCTION TYPE, LINKED TO DUFFY; CHARCOT-MARIE-TOOTH NEUROPATHY, TYPE 1B; HEREDITARY MOTOR AND SENSORY NEUROPATHY I; HEREDITARY MOTOR AND SENSORY NEUROPATHY IB. Identifiers: Orphanet 101082, MedGen C0270912, MONDO:0007307, OMIM 118200.

Submissions (2):

Labcorp Genetics (formerly Invitae), Labcorp
Classification: Pathogenic for Charcot-Marie-Tooth disease, type I. Last evaluated: 2025-11-23. Review status: criteria provided, single submitter. Criteria: Invitae Variant Classification Sherloc (09022015). Collection method: clinical testing. Allele origin: germline.
Comment: This sequence change replaces glycine, which is neutral and non-polar, with arginine, which is basic and polar, at codon 93 of the MPZ protein (p.Gly93Arg). This variant is not present in population databases (gnomAD no frequency). A different variant (c.277G>C) giving rise to the same protein effect has been determined to be pathogenic (internal data). This suggests that this variant is also likely to be causative of disease. ClinVar contains an entry for this variant (Variation ID: 1067479). Invitae Evidence Modeling of protein sequence and biophysical properties (such as structural, functional, and spatial information, amino acid conservation, physicochemical variation, residue mobility, and thermodynamic stability) indicates that this missense variant is expected to disrupt MPZ protein function with a positive predictive value of 80%. This variant disrupts the p.Gly93 amino acid residue in MPZ. Other variant(s) that disrupt this residue have been determined to be pathogenic (PMID: 9217235, 33179255; internal data). This suggests that this residue is clinically significant, and that variants that disrupt this residue are likely to be disease-causing. For these reasons, this variant has been classified as Pathogenic.

Mendelics
Classification: Likely pathogenic for Charcot-Marie-Tooth disease type 1B. Last evaluated: 2022-05-04. Review status: criteria provided, single submitter. Criteria: Mendelics Assertion Criteria 2019. Collection method: clinical testing. Allele origin: germline.

Literature cited by the submitters: PubMed 9217235 (cited by Labcorp Genetics (formerly Invitae), Labcorp); PubMed 33179255 (cited by Labcorp Genetics (formerly Invitae), Labcorp).

NM_000530.8(MPZ):c.277G>A (p.Gly93Arg)

Gene: MPZ (myelin protein zero; minus strand). Cytogenetic location: 1q23.3.
Variant type: single nucleotide variant.
Coding change: c.277G>A on transcript NM_000530.8 (MANE Select); coding-DNA position 277, G replaced by A.
Protein change: p.Gly93Arg; replaces glycine 93 with arginine.
Molecular consequence: missense variant.
Genome position (GRCh38, 1-based): chr1:161,306,879, C>T on the plus strand (G>A on the coding strand, the complement: MPZ is on the minus strand). VCF-style: chr1-161306879-C-T. GRCh37 (hg19) VCF-style: chr1-161276669-C-T.
Other names: c.277G>A, p.Gly93Arg (NM_001315491.2); short protein forms G93R.
Identifiers: ClinVar variation 1067479 (VCV001067479.10), dbSNP rs1553259691, ClinGen allele CA343349737.